The following is an entry in ClinVar:

ClinVar aggregate classification (germline): Uncertain significance (1 of 4 stars; one submission).

Allele frequency attached by ClinVar (database versions not stated): gnomAD exomes below 0.00001.
gnomAD v4.1: 1 of 1,614,048 alleles (0.000062%); highest among the groups gnomAD compares: Non-Finnish European, 0.000085%; no homozygotes.

Submission:

Ambry Genetics
Classification: Uncertain significance. Last evaluated: 2022-07-19. Review status: criteria provided, single submitter. Criteria: Ambry Variant Classification Scheme 2023. Collection method: clinical testing. Allele origin: germline.
Comment: The p.V352F variant (also known as c.1054G>T), located in coding exon 6 of the GALNT12 gene, results from a G to T substitution at nucleotide position 1054. The valine at codon 352 is replaced by phenylalanine, an amino acid with highly similar properties. This amino acid position is conserved. In addition, this alteration is predicted to be tolerated by in silico analysis. Since supporting evidence is limited at this time, the clinical significance of this alteration remains unclear.

NM_024642.5(GALNT12):c.1054G>T (p.Val352Phe)

Gene: GALNT12 (polypeptide N-acetylgalactosaminyltransferase 12; plus strand). Cytogenetic location: 9q22.33.
Variant type: single nucleotide variant.
Coding change: c.1054G>T on transcript NM_024642.5 (MANE Select); coding-DNA position 1054, G replaced by T.
Protein change: p.Val352Phe; replaces valine 352 with phenylalanine.
Molecular consequence: missense variant.
Genome position (GRCh38, 1-based): chr9:98,836,990, G>T. VCF-style: chr9-98836990-G-T. GRCh37 (hg19) VCF-style: chr9-101599272-G-T.
Other names: short protein forms V352F.
Identifiers: ClinVar variation 1778222 (VCV001778222.2), dbSNP rs2490532566, ClinGen allele CA374219659.